The following is an entry in ClinVar:

NM_001447.3(FAT2):c.11171T>C (p.Met3724Thr)

Genes: FAT2 (FAT atypical cadherin 2; minus strand), SLC36A1 (solute carrier family 36 member 1; plus strand). Cytogenetic location: 5q33.1.
Variant type: single nucleotide variant.
Coding change: c.11171T>C on transcript NM_001447.3 (MANE Select); coding-DNA position 11171, T replaced by C.
Protein change: p.Met3724Thr; replaces methionine 3724 with threonine.
Molecular consequence: missense variant.
Genome position (GRCh38, 1-based): chr5:151,521,422, A>G on the plus strand (T>C on the coding strand, the complement: FAT2 is on the minus strand). VCF-style: chr5-151521422-A-G. GRCh37 (hg19) VCF-style: chr5-150900983-A-G.
Other names: c.11171T>C (NM_001447.2); short protein forms M3724T.
Identifiers: ClinVar variation 2175329 (VCV002175329.7), dbSNP rs750023243, ClinGen allele CA3520078.

ClinVar aggregate classification (germline): Uncertain significance. Review status: criteria provided, multiple submitters, no conflicts (2 of 4 stars). 3 submissions from 3 submitters: Uncertain significance (3). Last evaluated 2025-10-28.

Allele frequency attached by ClinVar (database versions not stated): TOPMed below 0.00001; ExAC 0.00001; gnomAD 0.00001; gnomAD exomes 0.00001.
gnomAD v4.1: 10 of 1,614,098 alleles (0.00062%); highest among the groups gnomAD compares: Admixed American, 0.01%; no homozygotes.

Submissions (3):

Ambry Genetics
Classification: Uncertain significance. Last evaluated: 2025-10-28. Review status: criteria provided, single submitter. Criteria: Ambry Variant Classification Scheme 2023. Collection method: clinical testing. Allele origin: germline.

Labcorp Genetics (formerly Invitae), Labcorp
Classification: Uncertain significance. Last evaluated: 2024-01-02. Review status: criteria provided, single submitter. Criteria: Invitae Variant Classification Sherloc (09022015). Collection method: clinical testing. Allele origin: germline.
Comment: This sequence change replaces methionine, which is neutral and non-polar, with threonine, which is neutral and polar, at codon 3724 of the FAT2 protein (p.Met3724Thr). This variant is present in population databases (rs750023243, gnomAD 0.009%). This variant has not been reported in the literature in individuals affected with FAT2-related conditions. ClinVar contains an entry for this variant (Variation ID: 2175329). An algorithm developed to predict the effect of missense changes on protein structure and function (PolyPhen-2) suggests that this variant is likely to be tolerated. In summary, the available evidence is currently insufficient to determine the role of this variant in disease. Therefore, it has been classified as a Variant of Uncertain Significance.

Women's Health and Genetics/Laboratory Corporation of America, LabCorp
Classification: Uncertain significance. Last evaluated: 2023-10-17. Review status: criteria provided, single submitter. Criteria: LabCorp Variant Classification Summary - May 2015. Collection method: clinical testing. Allele origin: germline.
Comment: Variant summary: FAT2 c.11171T>C (p.Met3724Thr) results in a non-conservative amino acid change in the encoded protein sequence. Four of five in-silico tools predict a benign effect of the variant on protein function. The variant allele was found at a frequency of 1.6e-05 in 251470 control chromosomes (gnomAD). The available data on variant occurrences in the general population are insufficient to allow any conclusion about variant significance. To our knowledge, no occurrence of c.11171T>C in individuals affected with Spinocerebellar Ataxia 45 and no experimental evidence demonstrating its impact on protein function have been reported. Two submitters have cited clinical-significance assessments for this variant to ClinVar after 2014. All submitters classified the variant as uncertain significance. Based on the evidence outlined above, the variant was classified as uncertain significance.